The following is an entry in ClinVar:

NM_005431.2(XRCC2):c.493A>T (p.Ser165Cys)

Gene: XRCC2 (X-ray repair cross complementing 2; minus strand). Cytogenetic location: 7q36.1.
Variant type: single nucleotide variant.
Coding change: c.493A>T on transcript NM_005431.2 (MANE Select); coding-DNA position 493, A replaced by T.
Protein change: p.Ser165Cys; replaces serine 165 with cysteine.
Molecular consequence: missense variant.
Genome position (GRCh38, 1-based): chr7:152,648,992, T>A on the plus strand (A>T on the coding strand, the complement: XRCC2 is on the minus strand). VCF-style: chr7-152648992-T-A. GRCh37 (hg19) VCF-style: chr7-152346077-T-A.
Other names: short protein forms S165C.
Identifiers: ClinVar variation 1744251 (VCV001744251.2), dbSNP rs2098027329, ClinGen allele CA370198575.
Genomic context (GRCh38, chr7:152,648,992, plus strand): 5'-TTACAAGCTTCTCTAAGCACTGAGAACATTTCCTCAGAGTAGACTCCTGTAAGTTCACAC[T>A]TTCTCCTCCATTGACGCGGTCTATCCAGTAAAAAGCTGACAGGCTATCCAAAATCAAAAG-3'
Protein context (NP_005422.1, residues 155-175): YWIDRVNGGE[Ser165Cys]VNLQESTLRK

ClinVar aggregate classification (germline): Uncertain significance (1 of 4 stars; one submission).

Conditions:
Hereditary cancer-predisposing syndrome. Also called: Hereditary Cancer Syndrome; Neoplastic Syndromes, Hereditary; Tumor predisposition; Hereditary neoplastic syndrome. Identifiers: Orphanet 140162, MedGen C0027672, MeSH D009386, MONDO:0015356.

Allele frequency attached by ClinVar (database versions not stated): TOPMed 0.00001.

Submission:

Ambry Genetics
Classification: Uncertain significance for Hereditary cancer-predisposing syndrome. Last evaluated: 2022-10-27. Review status: criteria provided, single submitter. Criteria: Ambry Variant Classification Scheme 2023. Collection method: clinical testing. Allele origin: germline.
Comment: The p.S165C variant (also known as c.493A>T), located in coding exon 3 of the XRCC2 gene, results from an A to T substitution at nucleotide position 493. The serine at codon 165 is replaced by cysteine, an amino acid with dissimilar properties. This amino acid position is conserved. In addition, this alteration is predicted to be tolerated by in silico analysis. Since supporting evidence is limited at this time, the clinical significance of this alteration remains unclear.